The following is an entry in ClinVar:

ClinVar aggregate classification (germline): Uncertain significance (1 of 4 stars; one submission).

Conditions:
Hereditary cancer-predisposing syndrome. Also called: Neoplastic Syndromes, Hereditary; Tumor predisposition; Hereditary neoplastic syndrome; Hereditary Cancer Syndrome. Identifiers: Orphanet 140162, MedGen C0027672, MeSH D009386, MONDO:0015356.

Submission:

Ambry Genetics
Classification: Uncertain significance for Hereditary cancer-predisposing syndrome. Last evaluated: 2026-07-19. Review status: criteria provided, single submitter. Criteria: Ambry Variant Classification Scheme 2023. Collection method: clinical testing. Allele origin: germline.
Comment: The p.C401W variant (also known as c.1203T>G), located in coding exon 8 of the BRIP1 gene, results from a T to G substitution at nucleotide position 1203. The cysteine at codon 401 is replaced by tryptophan, an amino acid with highly dissimilar properties. This amino acid position is conserved. In addition, the in silico prediction for this alteration is inconclusive. Based on the available evidence, the clinical significance of this variant remains unclear.

NM_032043.3(BRIP1):c.1203T>G (p.Cys401Trp)

Gene: BRIP1 (BRCA1 interacting DNA helicase 1; minus strand). Cytogenetic location: 17q23.2.
Variant type: single nucleotide variant.
Coding change: c.1203T>G on transcript NM_032043.3 (MANE Select); coding-DNA position 1203, T replaced by G.
Protein change: p.Cys401Trp; replaces cysteine 401 with tryptophan.
Molecular consequence: missense variant.
Genome position (GRCh38, 1-based): chr17:61,799,237, A>C on the plus strand (T>G on the coding strand, the complement: BRIP1 is on the minus strand). VCF-style: chr17-61799237-A-C. GRCh37 (hg19) VCF-style: chr17-59876598-A-C.
Other names: short protein forms C401W.
Identifiers: ClinVar variation 5033431 (VCV005033431.1).